The following is an entry in ClinVar:

ClinVar aggregate classification (germline): Likely benign. Review status: criteria provided, multiple submitters, no conflicts (2 of 4 stars). 2 submissions from 2 submitters: Likely benign (2). Last evaluated 2025-04-28.

Conditions:
Renal cell carcinoma. Identifiers: Orphanet 217071, MedGen C0007134, MeSH D002292, MONDO:0005086, HP:0005584.
Papillary renal cell carcinoma type 1 (RCCP1). Also called: RENAL CELL CARCINOMA, PAPILLARY, 1, SOMATIC; Renal adenocarcinoma; Renal cell carcinoma 1; Renal cell carcinoma, somatic. Identifiers: Orphanet 47044, MedGen C1336839, OMIM 605074, HP:0011797.

Allele frequency attached by ClinVar (database versions not stated): TOPMed below 0.00001; gnomAD 0.00001.
gnomAD v4.1: 2 of 1,614,018 alleles (0.00012%); highest among the groups gnomAD compares: Non-Finnish European, 0.00017%; no homozygotes.

Submissions (2):

Labcorp Genetics (formerly Invitae), Labcorp
Classification: Likely benign for Renal cell carcinoma. Last evaluated: 2025-04-28. Review status: criteria provided, single submitter. Criteria: Invitae Variant Classification Sherloc (09022015). Collection method: clinical testing. Allele origin: germline.

Myriad Genetics, Inc.
Classification: Likely benign for Papillary renal cell carcinoma type 1. Last evaluated: 2024-11-14. Review status: criteria provided, single submitter. Criteria: Myriad Autosomal Dominant, Autosomal Recessive and X-Linked Classification Criteria (2023). Collection method: clinical testing. Allele origin: unknown.
Comment: This variant is considered likely benign. This variant is intronic and is not expected to impact mRNA splicing.

NM_000245.4(MET):c.3633-7T>C

Gene: MET (MET proto-oncogene, receptor tyrosine kinase; plus strand). Cytogenetic location: 7q31.2.
Variant type: single nucleotide variant.
Coding change: c.3633-7T>C on transcript NM_000245.4 (MANE Select); 7 bases into the intron before coding-DNA position 3633, T replaced by C.
Molecular consequence: intron variant.
Genome position (GRCh38, 1-based): chr7:116,783,297, T>C. VCF-style: chr7-116783297-T-C. GRCh37 (hg19) VCF-style: chr7-116423351-T-C.
Other names: c.3687-7T>C (NM_001127500.3, LRG_662t1); c.2343-7T>C (NM_001324402.2).
Identifiers: ClinVar variation 215793 (VCV000215793.10), dbSNP rs863224379, ClinGen allele CA339571.